The following is an entry in ClinVar:

NM_018406.7(MUC4):c.4461G>C (p.Thr1487=)

Gene: MUC4 (mucin 4, cell surface associated). Cytogenetic location: 3q29.
Variant type: single nucleotide variant.
Coding change: c.4461G>C on transcript NM_018406.7 (MANE Select); coding-DNA position 4461, G replaced by C.
Protein change: p.Thr1487=; no amino-acid change (threonine 1487 retained).
Molecular consequence: synonymous variant. On other transcripts: intron variant (2).
Genome position (GRCh38, 1-based): chr3:195,787,119, C>G on the plus strand (G>C on the coding strand, the complement: MUC4 is on the minus strand). VCF-style: chr3-195787119-C-G. GRCh37 (hg19) VCF-style: chr3-195513990-C-G.
Other names: c.83-12814G>C (NM_138297.5); c.83-8664G>C (NM_004532.6).
Identifiers: ClinVar variation 4821249 (VCV004821249.4).

ClinVar aggregate classification (germline): Likely benign (1 of 4 stars; one submission).

Submission:

CeGaT Center for Human Genetics Tuebingen
Classification: Likely benign. Last evaluated: 2026-01-01. Review status: criteria provided, single submitter. Criteria: CeGaT Center For Human Genetics Tuebingen Variant Classification Criteria Version 2. Collection method: clinical testing. Allele origin: germline. Affected: yes. Observed: 1 variant allele.
Comment: MUC4: BP4, BP7